The following is an entry in ClinVar:

ClinVar aggregate classification (germline): Conflicting classifications of pathogenicity. Review status: criteria provided, conflicting classifications (1 of 4 stars). 3 submissions from 3 submitters: Uncertain significance (1); Likely benign (1). 1 of the submissions does not count toward it. Last evaluated 2024-03-07.

Conditions:
HUWE1-related disorder. Also called: HUWE1-related condition.

Allele frequency attached by ClinVar (database versions not stated): gnomAD 0.00001; TOPMed 0.00004.
gnomAD v4.1: 5 of 1,200,261 alleles (0.00042%); highest among the groups gnomAD compares: Admixed American, 0.0066%; no homozygotes.

Submissions (3):

Blueprint Genetics
Classification: Likely benign. Last evaluated: 2024-03-07. Review status: criteria provided, single submitter. Criteria: ACMG Guidelines, 2015. Collection method: clinical testing. Allele origin: germline.

Labcorp Genetics (formerly Invitae), Labcorp
Classification: Uncertain significance. Last evaluated: 2022-04-06. Review status: criteria provided, single submitter. Criteria: Invitae Variant Classification Sherloc (09022015). Collection method: clinical testing. Allele origin: germline.
Comment: Variants that disrupt the consensus splice site are a relatively common cause of aberrant splicing (PMID: 17576681, 9536098). Algorithms developed to predict the effect of sequence changes on RNA splicing suggest that this variant is not likely to affect RNA splicing. This variant has not been reported in the literature in individuals affected with HUWE1-related conditions. This variant is present in population databases (no rsID available, gnomAD 0.004%). This sequence change falls in intron 60 of the HUWE1 gene. It does not directly change the encoded amino acid sequence of the HUWE1 protein. It affects a nucleotide within the consensus splice site. In summary, the available evidence is currently insufficient to determine the role of this variant in disease. Therefore, it has been classified as a Variant of Uncertain Significance.

PreventionGenetics, part of Exact Sciences
Classification: Likely benign for HUWE1-related condition. Last evaluated: 2023-09-14. Review status: no assertion criteria provided. Collection method: clinical testing. Allele origin: germline. Not counted in ClinVar's aggregate classification.
Comment: This variant is classified as likely benign based on ACMG/AMP sequence variant interpretation guidelines (Richards et al. 2015 PMID: 25741868, with internal and published modifications).

Literature cited by the submitters: PubMed 17576681 (cited by Labcorp Genetics (formerly Invitae), Labcorp); PubMed 9536098 (cited by Labcorp Genetics (formerly Invitae), Labcorp).

NM_031407.7(HUWE1):c.8206+6T>C

Gene: HUWE1 (HECT, UBA and WWE domain containing E3 ubiquitin protein ligase 1; minus strand). Cytogenetic location: Xp11.22.
Variant type: single nucleotide variant.
Coding change: c.8206+6T>C on transcript NM_031407.7 (MANE Select); 6 bases into the intron after coding-DNA position 8206, T replaced by C.
Molecular consequence: intron variant.
Genome position (GRCh38, 1-based): chrX:53,557,376, A>G on the plus strand (T>C on the coding strand, the complement: HUWE1 is on the minus strand). VCF-style: chrX-53557376-A-G. GRCh37 (hg19) VCF-style: chrX-53584337-A-G.
Other names: c.8206+6T>C (NM_031407.6).
Identifiers: ClinVar variation 1969470 (VCV001969470.8), dbSNP rs782421712, ClinGen allele CA516427868.